The following is an entry in ClinVar:

NM_001853.4(COL9A3):c.1564G>A (p.Glu522Lys)

Genes: COL9A3 (collagen type IX alpha 3 chain; plus strand), LOC126863084 (MED14-independent group 3 enhancer GRCh37_chr20:61467141-61468340; plus strand). Cytogenetic location: 20q13.33.
Variant type: single nucleotide variant.
Coding change: c.1564G>A on transcript NM_001853.4 (MANE Select); coding-DNA position 1564, G replaced by A.
Protein change: p.Glu522Lys; replaces glutamic acid 522 with lysine.
Molecular consequence: missense variant.
Genome position (GRCh38, 1-based): chr20:62,836,493, G>A. VCF-style: chr20-62836493-G-A. GRCh37 (hg19) VCF-style: chr20-61467845-G-A.
Other names: c.1564G>A (NM_001853.3); short protein forms E522K.
Identifiers: ClinVar variation 1940132 (VCV001940132.8), dbSNP rs762887469, ClinGen allele CA9950070.
Genomic context (GRCh38, chr20:62,836,493, plus strand): 5'-GAGGCTGCCGCCCCCATGCTGACGAATGTGTGGGGTGAATTCCAGGGGAAGGAGGCCAGC[G>A]AGCAGCGCATCAGGGAGCTGTGTGGGGGGATGATCAGCGGTAAGTCAGCCACGTGCACCG-3'
Protein context (NP_001844.3, residues 512-532): KPGVPGKEAS[Glu522Lys]QRIRELCGGM

ClinVar aggregate classification (germline): Uncertain significance. Review status: criteria provided, multiple submitters, no conflicts (2 of 4 stars). 3 submissions from 3 submitters: Uncertain significance (3). Last evaluated 2024-09-22.

Conditions:
Inborn genetic diseases. Identifiers: MedGen C0950123, MeSH D030342.

Allele frequency attached by ClinVar (database versions not stated): gnomAD 0.00001; gnomAD exomes 0.00002; TOPMed 0.00002; ExAC 0.00009.

Submissions (3):

Labcorp Genetics (formerly Invitae), Labcorp
Classification: Uncertain significance. Last evaluated: 2024-09-22. Review status: criteria provided, single submitter. Criteria: Invitae Variant Classification Sherloc (09022015). Collection method: clinical testing. Allele origin: germline.
Comment: This sequence change replaces glutamic acid, which is acidic and polar, with lysine, which is basic and polar, at codon 522 of the COL9A3 protein (p.Glu522Lys). This variant is present in population databases (rs762887469, gnomAD 0.05%). This variant has not been reported in the literature in individuals affected with COL9A3-related conditions. ClinVar contains an entry for this variant (Variation ID: 1940132). Invitae Evidence Modeling of protein sequence and biophysical properties (such as structural, functional, and spatial information, amino acid conservation, physicochemical variation, residue mobility, and thermodynamic stability) indicates that this missense variant is not expected to disrupt COL9A3 protein function with a negative predictive value of 95%. In summary, the available evidence is currently insufficient to determine the role of this variant in disease. Therefore, it has been classified as a Variant of Uncertain Significance.

Ambry Genetics
Classification: Uncertain significance for Inborn genetic diseases. Last evaluated: 2023-03-17. Review status: criteria provided, single submitter. Criteria: Ambry Variant Classification Scheme 2023. Collection method: clinical testing. Allele origin: germline.

Blueprint Genetics
Classification: Uncertain significance. Last evaluated: 2022-04-28. Review status: criteria provided, single submitter. Criteria: ACMG Guidelines, 2015. Collection method: clinical testing. Allele origin: germline.